The following is an entry in ClinVar:

ClinVar aggregate classification (germline): Pathogenic/Likely pathogenic. Review status: criteria provided, multiple submitters, no conflicts (2 of 4 stars). 2 submissions from 2 submitters: Pathogenic (1); Likely pathogenic (1). Last evaluated 2025-06-19.

Conditions:
Glomuvenous malformation. Also called: VENOUS MALFORMATIONS WITH GLOMUS CELLS; Familial glomangioma; GLOMANGIOMAS, MULTIPLE; GLOMUS TUMORS, MULTIPLE. Identifiers: Orphanet 83454, MedGen C1841984, MONDO:0007672, OMIM 138000.

Submissions (2):

ARUP Laboratories, Molecular Genetics and Genomics, ARUP Laboratories
Classification: Likely pathogenic for Glomuvenous malformation. Last evaluated: 2025-06-19. Review status: criteria provided, single submitter. Criteria: ARUP Molecular Germline Variant Investigation Process 2024. Collection method: clinical testing. Allele origin: germline.
Comment: The GLMN c.989_990del; p.Ser330CysfsTer12 variant (rs1170071313), to our knowledge, is not reported in the medical literature but is reported in ClinVar (Variation ID: 3899486). This variant is absent from the Genome Aggregation Database (v2.1.1), indicating it is not a common polymorphism. This variant causes a frameshift by deleting two nucleotides, so it is predicted to result in a truncated protein or mRNA subject to nonsense-mediated decay. Based on available information, this variant is considered to be likely pathogenic.

GeneDx
Classification: Pathogenic. Last evaluated: 2024-11-19. Review status: criteria provided, single submitter. Criteria: GeneDx Variant Classification Process June 2021. Collection method: clinical testing. Allele origin: germline. Affected: yes.
Comment: Frameshift variant predicted to result in protein truncation or nonsense mediated decay in a gene for which loss-of-function is a known mechanism of disease; Not observed at significant frequency in large population cohorts (gnomAD); Has not been previously published as pathogenic or benign to our knowledge

NM_053274.3(GLMN):c.989_990del (p.Ser330fs)

Gene: GLMN (glomulin, FKBP associated protein; minus strand). Cytogenetic location: 1p22.1.
Variant type: Deletion.
Coding change: c.989_990del on transcript NM_053274.3 (MANE Select); coding-DNA positions 989 to 990, 2 bases deleted (CT; older notation c.989_990delCT).
Protein change: p.Ser330fs; shifts the reading frame from serine 330.
Molecular consequence: frameshift variant. On other transcripts: non-coding transcript variant (1).
Genome position (GRCh38, 1-based): chr1:92,268,123-92,268,124, AG deleted on the plus strand (CT on the coding strand, the reverse complement: GLMN is on the minus strand); deleting any 2 consecutive bases within chr1:92,268,123-92,268,125 gives the same sequence; the c. name uses the placement nearest the transcript's 3' end. VCF-style (leftmost placement, unchanged base first): chr1-92268122-CAG-C. GRCh37 (hg19) VCF-style: chr1-92733679-CAG-C.
Other names: c.989_990del, p.Ser330fs (NM_001319683.2); short protein forms S330fs.
Identifiers: ClinVar variation 3899486 (VCV003899486.2).